The following is an entry in ClinVar:

ClinVar aggregate classification (germline): Pathogenic (1 of 4 stars; one submission).

Conditions:
Microcephaly, normal intelligence and immunodeficiency (NBS). Also called: SEEMANOVA SYNDROME II; IMMUNODEFICIENCY, MICROCEPHALY, AND CHROMOSOMAL INSTABILITY; Immunodeficiency, microcephaly with normal intelligence; BERLIN BREAKAGE SYNDROME; Nijmegen breakage syndrome; Microcephaly with normal intelligence immunodeficiency and lymphoreticular malignancies. Identifiers: Orphanet 647, MedGen C0398791, MONDO:0009623, OMIM 251260.

Submission:

Labcorp Genetics (formerly Invitae), Labcorp
Classification: Pathogenic for Microcephaly, normal intelligence and immunodeficiency. Last evaluated: 2021-09-29. Review status: criteria provided, single submitter. Criteria: Invitae Variant Classification Sherloc (09022015). Collection method: clinical testing. Allele origin: germline.
Comment: For these reasons, this variant has been classified as Pathogenic. Loss-of-function variants in NBN are known to be pathogenic (PMID: 9590180, 16415040). This variant has not been reported in the literature in individuals with NBN-related conditions. This variant is not present in population databases (ExAC no frequency). This sequence change creates a premature translational stop signal (p.Glu202*) in the NBN gene. It is expected to result in an absent or disrupted protein product.

Literature cited by the submitters: PubMed 9590180; PubMed 16415040.

NM_002485.5(NBN):c.604G>T (p.Glu202Ter)

Gene: NBN (nibrin; minus strand). Cytogenetic location: 8q21.3.
Variant type: single nucleotide variant.
Coding change: c.604G>T on transcript NM_002485.5 (MANE Select); coding-DNA position 604, G replaced by T.
Protein change: p.Glu202Ter; replaces glutamic acid 202 with a stop codon.
Molecular consequence: nonsense.
Genome position (GRCh38, 1-based): chr8:89,971,271, C>A on the plus strand (G>T on the coding strand, the complement: NBN is on the minus strand). VCF-style: chr8-89971271-C-A. GRCh37 (hg19) VCF-style: chr8-90983499-C-A.
Other names: c.358G>T, p.Glu120Ter (NM_001024688.3); short protein forms E120*, E202*.
Identifiers: ClinVar variation 861347 (VCV000861347.7), dbSNP rs1811506628, ClinGen allele CA371659304.